The following is an entry in ClinVar:

ClinVar aggregate classification (germline): Uncertain significance (1 of 4 stars; one submission).

gnomAD v4.1: 10 of 1,613,972 alleles (0.00062%); highest among the groups gnomAD compares: Non-Finnish European, 0.00085%; no homozygotes.

Submission:

Labcorp Genetics (formerly Invitae), Labcorp
Classification: Uncertain significance. Last evaluated: 2025-06-04. Review status: criteria provided, single submitter. Criteria: Invitae Variant Classification Sherloc (09022015). Collection method: clinical testing. Allele origin: germline.
Comment: This sequence change replaces valine, which is neutral and non-polar, with phenylalanine, which is neutral and non-polar, at codon 2294 of the CEP250 protein (p.Val2294Phe). This variant is not present in population databases (gnomAD no frequency). This variant has not been reported in the literature in individuals affected with CEP250-related conditions. An algorithm developed to predict the effect of missense changes on protein structure and function outputs the following: PolyPhen-2: "Benign". The phenylalanine amino acid residue is found in multiple mammalian species, which suggests that this missense change does not adversely affect protein function. In summary, the available evidence is currently insufficient to determine the role of this variant in disease. Therefore, it has been classified as a Variant of Uncertain Significance.

NM_007186.6(CEP250):c.6880G>T (p.Val2294Phe)

Gene: CEP250 (centrosomal protein 250; plus strand). Cytogenetic location: 20q11.22.
Variant type: single nucleotide variant.
Coding change: c.6880G>T on transcript NM_007186.6 (MANE Select); coding-DNA position 6880, G replaced by T.
Protein change: p.Val2294Phe; replaces valine 2294 with phenylalanine.
Molecular consequence: missense variant.
Genome position (GRCh38, 1-based): chr20:35,508,164, G>T. VCF-style: chr20-35508164-G-T. GRCh37 (hg19) VCF-style: chr20-34095993-G-T.
Other names: c.4984G>T, p.Val1662Phe (NM_001318219.1); short protein forms V1662F, V2294F.
Identifiers: ClinVar variation 4775742 (VCV004775742.1).